The following is an entry in ClinVar:

ClinVar aggregate classification (germline): Uncertain significance. Review status: criteria provided, multiple submitters, no conflicts (2 of 4 stars). 2 submissions from 2 submitters: Uncertain significance (2). Last evaluated 2023-01-12.

Conditions:
Inborn genetic diseases. Identifiers: MedGen C0950123, MeSH D030342.

Allele frequency attached by ClinVar (database versions not stated): gnomAD exomes below 0.00001 and 0.00001; TOPMed 0.00002.

Submissions (2):

Labcorp Genetics (formerly Invitae), Labcorp
Classification: Uncertain significance. Last evaluated: 2023-01-12. Review status: criteria provided, single submitter. Criteria: Invitae Variant Classification Sherloc (09022015). Collection method: clinical testing. Allele origin: germline.
Comment: This variant has not been reported in the literature in individuals affected with TBR1-related conditions. The frequency data for this variant in the population databases is considered unreliable, as metrics indicate poor data quality at this position in the gnomAD database. This sequence change replaces histidine, which is basic and polar, with glutamine, which is neutral and polar, at codon 681 of the TBR1 protein (p.His681Gln). ClinVar contains an entry for this variant (Variation ID: 522035). In summary, the available evidence is currently insufficient to determine the role of this variant in disease. Therefore, it has been classified as a Variant of Uncertain Significance. Algorithms developed to predict the effect of missense changes on protein structure and function are either unavailable or do not agree on the potential impact of this missense change (SIFT: "Not Available"; PolyPhen-2: "Possibly Damaging"; Align-GVGD: "Not Available").

Ambry Genetics
Classification: Uncertain significance for Inborn genetic diseases. Last evaluated: 2017-09-01. Review status: criteria provided, single submitter. Criteria: Ambry exome assertion method (8-5-2015). Collection method: clinical testing. Allele origin: germline. Affected: yes. Observed: 1 variant allele.

NM_006593.4(TBR1):c.2043C>G (p.His681Gln)

Gene: TBR1 (T-box brain transcription factor 1; plus strand). Cytogenetic location: 2q24.2.
Variant type: single nucleotide variant.
Coding change: c.2043C>G on transcript NM_006593.4 (MANE Select); coding-DNA position 2043, C replaced by G.
Protein change: p.His681Gln; replaces histidine 681 with glutamine.
Molecular consequence: missense variant.
Genome position (GRCh38, 1-based): chr2:161,424,221, C>G. VCF-style: chr2-161424221-C-G. GRCh37 (hg19) VCF-style: chr2-162280732-C-G.
Other names: short protein forms H681Q.
Identifiers: ClinVar variation 522035 (VCV000522035.7), dbSNP rs1310795066, ClinGen allele CA349215321.